The following is an entry in ClinVar:

ClinVar aggregate classification (germline): Uncertain significance (1 of 4 stars; one submission).

Conditions:
Early-onset Lafora body disease. Also called: Epilepsy, progressive myoclonic, 10. Identifiers: Orphanet 324290, MedGen C4225258, MONDO:0014717, OMIM 616640.

Allele frequency attached by ClinVar (database versions not stated): gnomAD exomes below 0.00001; ExAC 0.00001.
gnomAD v4.1: 1 of 1,614,046 alleles (0.000062%); highest among the groups gnomAD compares: Non-Finnish European, 0.000085%; no homozygotes.

Submission:

Labcorp Genetics (formerly Invitae), Labcorp
Classification: Uncertain significance for Early-onset Lafora body disease. Last evaluated: 2020-01-24. Review status: criteria provided, single submitter. Criteria: Invitae Variant Classification Sherloc (09022015). Collection method: clinical testing. Allele origin: germline.
Comment: In summary, the available evidence is currently insufficient to determine the role of this variant in disease. Therefore, it has been classified as a Variant of Uncertain Significance. Algorithms developed to predict the effect of missense changes on protein structure and function are either unavailable or do not agree on the potential impact of this missense change (SIFT: "Deleterious"; PolyPhen-2: "Probably Damaging"; Align-GVGD: "Class C0"). This variant has not been reported in the literature in individuals with PRDM8-related disease. This variant is present in population databases (rs775462847, ExAC 0.006%). This sequence change replaces proline with leucine at codon 169 of the PRDM8 protein (p.Pro169Leu). The proline residue is highly conserved and there is a moderate physicochemical difference between proline and leucine.

NM_001099403.2(PRDM8):c.506C>T (p.Pro169Leu)

Genes: PRDM8 (PR/SET domain 8; plus strand), LOC126807094 (CDK7 strongly-dependent group 2 enhancer GRCh37_chr4:81121978-81123177; plus strand). Cytogenetic location: 4q21.21.
Variant type: single nucleotide variant.
Coding change: c.506C>T on transcript NM_001099403.2 (MANE Select); coding-DNA position 506, C replaced by T.
Protein change: p.Pro169Leu; replaces proline 169 with leucine.
Molecular consequence: missense variant.
Genome position (GRCh38, 1-based): chr4:80,201,968, C>T. VCF-style: chr4-80201968-C-T. GRCh37 (hg19) VCF-style: chr4-81123122-C-T.
Other names: c.506C>T, p.Pro169Leu (NM_020226.4); short protein forms P169L.
Identifiers: ClinVar variation 574303 (VCV000574303.10), dbSNP rs775462847, ClinGen allele CA2982265.
Genomic context (GRCh38, chr4:80,201,968, plus strand): 5'-AAGCAGGGTCGTCCCCTTACACATGCCTGGAATGCAGCCAACGTTTCCAGTTTGAGTTCC[C>T]CTATGTGGCGCATCTGCGTTTCCGCTGCCCCAAGAGACTTCACAGCGCTGATATAAGTCC-3'
Protein context (NP_001092873.1, residues 159-179): ECSQRFQFEF[Pro169Leu]YVAHLRFRCP